The following is an entry in ClinVar:

NM_001365276.2(TNXB):c.7938_7939insACCC (p.Ser2647fs)

Gene: TNXB (tenascin XB; minus strand). Cytogenetic location: 6p21.33.
Variant type: Insertion.
Coding change: c.7938_7939insACCC on transcript NM_001365276.2 (MANE Select); coding-DNA positions 7938 to 7939, ACCC inserted.
Protein change: p.Ser2647fs; shifts the reading frame from serine 2647.
Molecular consequence: frameshift variant.
Genome position: GRCh38 VCF-style: chr6-32056790-A-AGGGT. GRCh37 (hg19) VCF-style: chr6-32024567-A-AGGGT.
Other names: c.8679_8680insACCC, p.Ser2894fs (NM_001428335.1); c.7938_7939insACCC, p.Ser2647fs (NM_019105.8); short protein forms S2647fs, S2894fs.
Identifiers: ClinVar variation 5015999 (VCV005015999.1).
Genomic context (GRCh38, chr6:32,056,790, plus strand): 5'-CATCCCCATTCCTGTACTGGACCAGGAAGTGGTCAAACTGGCCCTCGGGAACCGTCCAGG[A>AGGGT]CAGGCTGAGGGAGTCAGGGGTGGCATCTGTCATGGTCAGCTCCCCCAGGCGAGGCTTGAT-3'

ClinVar aggregate classification (germline): Pathogenic (1 of 4 stars; one submission).

Conditions:
Ehlers-Danlos syndrome due to tenascin-X deficiency (EDSCLL1). Also called: EDS DUE TO TNX DEFICIENCY; TNX DEFICIENCY; Ehlers-Danlos syndrome, classic-like, 1; EHLERS-DANLOS SYNDROME, CLASSIC-LIKE; TNXB-Related Classical-Like Ehlers-Danlos Syndrome. Identifiers: Orphanet 230839, MedGen C1848029, MONDO:0011670, OMIM 606408.

Submission:

Myriad Genetics, Inc.
Classification: Pathogenic for Ehlers-Danlos syndrome due to tenascin-X deficiency. Last evaluated: 2026-06-07. Review status: criteria provided, single submitter. Criteria: Myriad Autosomal Dominant, Autosomal Recessive and X-Linked Classification Criteria (2023). Collection method: clinical testing. Allele origin: unknown.
Comment: NM_019105.6(TNXB):c.7938_7939insACCC(S2647Tfs*11) is expected to be pathogenic in the context of classical-like Ehlers-Danlos syndrome, TNXB-related. This variant is predicted to lead to an abnormal or absent protein product due to the creation of a premature termination codon in TNXB, a gene where loss-of-function variants are known to be pathogenic. Please note: this variant was assessed in the context of healthy population screening.